The following is an entry in ClinVar:

NM_206933.4(USH2A):c.8168G>T (p.Arg2723Leu)

Gene: USH2A (usherin; minus strand). Cytogenetic location: 1q41.
Variant type: single nucleotide variant.
Coding change: c.8168G>T on transcript NM_206933.4 (MANE Select); coding-DNA position 8168, G replaced by T.
Protein change: p.Arg2723Leu; replaces arginine 2723 with leucine.
Molecular consequence: missense variant.
Genome position (GRCh38, 1-based): chr1:215,888,481, C>A on the plus strand (G>T on the coding strand, the complement: USH2A is on the minus strand). VCF-style: chr1-215888481-C-A. GRCh37 (hg19) VCF-style: chr1-216061823-C-A.
Other names: short protein forms R2723L.
Identifiers: ClinVar variation 2148746 (VCV002148746.2), dbSNP rs267598376, ClinGen allele CA344838553.

ClinVar aggregate classification (germline): Uncertain significance. Review status: criteria provided, multiple submitters, no conflicts (2 of 4 stars). 2 submissions from 2 submitters: Uncertain significance (2). Last evaluated 2022-07-22.

gnomAD v4.1: 4 of 1,613,938 alleles (0.00025%); highest among the groups gnomAD compares: Non-Finnish European, 0.00034%; no homozygotes.

Submissions (2):

Blueprint Genetics
Classification: Uncertain significance. Last evaluated: 2022-07-22. Review status: criteria provided, single submitter. Criteria: ACMG Guidelines, 2015. Collection method: clinical testing. Allele origin: germline.

Labcorp Genetics (formerly Invitae), Labcorp
Classification: Uncertain significance. Last evaluated: 2022-06-04. Review status: criteria provided, single submitter. Criteria: Invitae Variant Classification Sherloc (09022015). Collection method: clinical testing. Allele origin: germline.
Comment: This sequence change replaces arginine, which is basic and polar, with leucine, which is neutral and non-polar, at codon 2723 of the USH2A protein (p.Arg2723Leu). This variant is not present in population databases (gnomAD no frequency). This variant has not been reported in the literature in individuals affected with USH2A-related conditions. Algorithms developed to predict the effect of missense changes on protein structure and function (SIFT, PolyPhen-2, Align-GVGD) all suggest that this variant is likely to be disruptive. In summary, the available evidence is currently insufficient to determine the role of this variant in disease. Therefore, it has been classified as a Variant of Uncertain Significance.